The following is an entry in ClinVar:

ClinVar aggregate classification (germline): Uncertain significance. Review status: criteria provided, multiple submitters, no conflicts (2 of 4 stars). 2 submissions from 2 submitters: Uncertain significance (2). Last evaluated 2025-06-12.

Conditions:
Inborn genetic diseases. Identifiers: MedGen C0950123, MeSH D030342.

gnomAD v4.1: 26 of 1,606,402 alleles (0.0016%); highest among the groups gnomAD compares: Middle Eastern, 0.017%; no homozygotes.

Submissions (2):

Labcorp Genetics (formerly Invitae), Labcorp
Classification: Uncertain significance. Last evaluated: 2025-06-12. Review status: criteria provided, single submitter. Criteria: Invitae Variant Classification Sherloc (09022015). Collection method: clinical testing. Allele origin: germline.
Comment: This sequence change replaces aspartic acid, which is acidic and polar, with asparagine, which is neutral and polar, at codon 3054 of the LAMA5 protein (p.Asp3054Asn). This variant is present in population databases (rs760795781, gnomAD 0.009%). This variant has not been reported in the literature in individuals affected with LAMA5-related conditions. ClinVar contains an entry for this variant (Variation ID: 3672955). Invitae Evidence Modeling of protein sequence and biophysical properties (such as structural, functional, and spatial information, amino acid conservation, physicochemical variation, residue mobility, and thermodynamic stability) indicates that this missense variant is not expected to disrupt LAMA5 protein function with a negative predictive value of 80%. In summary, the available evidence is currently insufficient to determine the role of this variant in disease. Therefore, it has been classified as a Variant of Uncertain Significance.

Ambry Genetics
Classification: Uncertain significance for Inborn genetic diseases. Last evaluated: 2025-02-19. Review status: criteria provided, single submitter. Criteria: Ambry Variant Classification Scheme 2023. Collection method: clinical testing. Allele origin: germline.

NM_005560.6(LAMA5):c.9160G>A (p.Asp3054Asn)

Gene: LAMA5 (laminin subunit alpha 5; minus strand). Cytogenetic location: 20q13.33.
Variant type: single nucleotide variant.
Coding change: c.9160G>A on transcript NM_005560.6 (MANE Select); coding-DNA position 9160, G replaced by A.
Protein change: p.Asp3054Asn; replaces aspartic acid 3054 with asparagine.
Molecular consequence: missense variant.
Genome position (GRCh38, 1-based): chr20:62,312,699, C>T on the plus strand (G>A on the coding strand, the complement: LAMA5 is on the minus strand). VCF-style: chr20-62312699-C-T. GRCh37 (hg19) VCF-style: chr20-60887755-C-T.
Other names: c.9160G>A (NM_005560.3); short protein forms D3054N.
Identifiers: ClinVar variation 3672955 (VCV003672955.3).